The following is an entry in ClinVar:

ClinVar aggregate classification (germline): Likely benign (0 of 4 stars; one submission).

Conditions:
GDF1-related disorder. Also called: GDF1-related condition.

Allele frequency attached by ClinVar (database versions not stated): gnomAD exomes below 0.00001; gnomAD 0.00003; TOPMed 0.00005; ExAC 0.00020.
gnomAD v4.1: 6 of 590,270 alleles (0.001%); highest among the groups gnomAD compares: African/African-American, 0.0098%; no homozygotes.

Submission:

PreventionGenetics, part of Exact Sciences
Classification: Likely benign for GDF1-related condition. Last evaluated: 2019-04-08. Review status: no assertion criteria provided. Collection method: clinical testing. Allele origin: germline.
Comment: This variant is classified as likely benign based on ACMG/AMP sequence variant interpretation guidelines (Richards et al. 2015 PMID: 25741868, with internal and published modifications).

NM_001492.6(GDF1):c.-263C>T

Genes: CERS1 (ceramide synthase 1; minus strand), GDF1 (growth differentiation factor 1; minus strand). Cytogenetic location: 19p13.11.
Variant type: single nucleotide variant.
Coding change: c.-263C>T on transcript NM_001492.6 (MANE Select); 263 bases upstream of the start codon, C replaced by T.
Molecular consequence: 5 prime UTR variant. On other transcripts: 3 prime UTR variant (2).
Genome position (GRCh38, 1-based): chr19:18,870,570, G>A on the plus strand (C>T on the coding strand, the complement: GDF1 is on the minus strand). VCF-style: chr19-18870570-G-A. GRCh37 (hg19) VCF-style: chr19-18981379-G-A.
Other names: c.*7C>T (NM_001387440.1, NM_021267.5); c.-263C>T (NM_001387438.1).
Identifiers: ClinVar variation 3047464 (VCV003047464.2), dbSNP rs747125941, ClinGen allele CA9318032.